The following is an entry in ClinVar:

ClinVar aggregate classification (germline): Uncertain significance (1 of 4 stars; one submission).

Submission:

Labcorp Genetics (formerly Invitae), Labcorp
Classification: Uncertain significance. Last evaluated: 2020-09-25. Review status: criteria provided, single submitter. Criteria: Invitae Variant Classification Sherloc (09022015). Collection method: clinical testing. Allele origin: germline.
Comment: In summary, the available evidence is currently insufficient to determine the role of this variant in disease. Therefore, it has been classified as a Variant of Uncertain Significance. Algorithms developed to predict the effect of missense changes on protein structure and function are either unavailable or do not agree on the potential impact of this missense change (SIFT: "Tolerated"; PolyPhen-2: "Possibly Damaging"; Align-GVGD: "Class C0"). This variant has not been reported in the literature in individuals with AGBL5-related conditions. This variant is not present in population databases (ExAC no frequency). This sequence change replaces glycine with cysteine at codon 716 of the AGBL5 protein (p.Gly716Cys). The glycine residue is weakly conserved and there is a large physicochemical difference between glycine and cysteine.

NM_021831.6(AGBL5):c.2146G>T (p.Gly716Cys)

Gene: AGBL5 (AGBL carboxypeptidase 5; plus strand). Cytogenetic location: 2p23.3.
Variant type: single nucleotide variant.
Coding change: c.2146G>T on transcript NM_021831.6 (MANE Select); coding-DNA position 2146, G replaced by T.
Protein change: p.Gly716Cys; replaces glycine 716 with cysteine.
Molecular consequence: missense variant. On other transcripts: non-coding transcript variant (2).
Genome position (GRCh38, 1-based): chr2:27,067,550, G>T. VCF-style: chr2-27067550-G-T. GRCh37 (hg19) VCF-style: chr2-27290418-G-T.
Other names: short protein forms G716C.
Identifiers: ClinVar variation 998923 (VCV000998923.8), dbSNP rs1669052638, ClinGen allele CA346140780.